The following is an entry in ClinVar:

ClinVar aggregate classification (germline): Uncertain significance. Review status: criteria provided, multiple submitters, no conflicts (2 of 4 stars). 2 submissions from 2 submitters: Uncertain significance (2). Last evaluated 2022-07-07.

Conditions:
Myopathy, tubular aggregate, 2 (TAM2). Identifiers: MedGen C4014557, MONDO:0014383, OMIM 615883.
Combined immunodeficiency due to ORAI1 deficiency. Also called: IMMUNODEFICIENCY 9. Identifiers: Orphanet 169090, Orphanet 317428, MedGen C2748568, MONDO:0013007, OMIM 612782.

Allele frequency attached by ClinVar (database versions not stated): gnomAD exomes below 0.00001; TOPMed below 0.00001.

Submissions (2):

Labcorp Genetics (formerly Invitae), Labcorp
Classification: Uncertain significance for Myopathy, tubular aggregate, 2; Combined immunodeficiency due to ORAI1 deficiency. Last evaluated: 2022-07-07. Review status: criteria provided, single submitter. Criteria: Invitae Variant Classification Sherloc (09022015). Collection method: clinical testing. Allele origin: germline.
Comment: In summary, the available evidence is currently insufficient to determine the role of this variant in disease. Therefore, it has been classified as a Variant of Uncertain Significance. Experimental studies and prediction algorithms are not available or were not evaluated, and the functional significance of this variant is currently unknown. This variant has not been reported in the literature in individuals affected with ORAI1-related conditions. This variant is not present in population databases (gnomAD no frequency). This sequence change replaces leucine, which is neutral and non-polar, with arginine, which is basic and polar, at codon 16 of the ORAI1 protein (p.Leu16Arg).

Blueprint Genetics
Classification: Uncertain significance. Last evaluated: 2021-12-30. Review status: criteria provided, single submitter. Criteria: ACMG Guidelines, 2015. Collection method: clinical testing. Allele origin: germline.

NC_000012.12:g.121626789T>G

Genes: ORAI1 (ORAI calcium release-activated calcium modulator 1; plus strand), LOC130008987 (ATAC-STARR-seq lymphoblastoid silent region 4981; plus strand). Cytogenetic location: 12q24.31.
Variant type: single nucleotide variant.
Genome position: GRCh38 VCF-style: chr12-121626789-T-G. GRCh37 (hg19) VCF-style: chr12-122064694-T-G.
Other names: c.47T>G, p.Leu16Arg (NM_032790.4); short protein forms L16R.
Identifiers: ClinVar variation 1965503 (VCV001965503.6), dbSNP rs1395306443, ClinGen allele CA386980345.
Genomic context (GRCh38, chr12:121,626,789, plus strand): 5'-CGGCGGCGTGCTCCATGCATCCGGAGCCCGCCCCGCCCCCGAGCCGCAGCAGTCCCGAGC[T>G]TCCCCCAAGCGGCGGCAGCACCACCAGCGGCAGCCGCCGGAGCCGCCGCCGCAGCGGGGA-3'